The following is an entry in ClinVar:

ClinVar aggregate classification (germline): Benign (1 of 4 stars; one submission).

Conditions:
X-linked lymphoproliferative disease due to XIAP deficiency. Also called: XIAP DEFICIENCY; XIAP-Related Lymphoproliferative Disease, X-Linked. Identifiers: Orphanet 2442, Orphanet 538934, MedGen C1845076, MONDO:0010385, OMIM 300635.

Allele frequency attached by ClinVar (database versions not stated): 1000 Genomes Project 0.00053; ExAC 0.00082; gnomAD exomes 0.00136 and 0.00161; gnomAD 0.00180.
gnomAD v4.1: 523 of 315,215 alleles (0.17%); highest among the groups gnomAD compares: Non-Finnish European, 0.27%; no homozygotes.

Submission:

Illumina Laboratory Services, Illumina
Classification: Benign for X-linked lymphoproliferative disease due to XIAP deficiency. Last evaluated: 2018-01-13. Review status: criteria provided, single submitter. Criteria: ICSL Variant Classification Criteria 13 December 2019. Collection method: clinical testing. Allele origin: germline.
Comment: This variant was observed in the ICSL laboratory as part of a predisposition screen in an ostensibly healthy population. It had not been previously curated by ICSL or reported in the Human Gene Mutation Database (HGMD: prior to June 1st, 2018), and was therefore a candidate for classification through an automated scoring system. Utilizing variant allele frequency, disease prevalence and penetrance estimates, and inheritance mode, an automated score was calculated to assess if this variant is too frequent to cause the disease. Based on the score and internal cut-off values, a variant classified as benign is not then subjected to further curation. The score for this variant resulted in a classification of benign for this disease.

NM_001167.4(XIAP):c.*4092G>A

Gene: XIAP (X-linked inhibitor of apoptosis; plus strand). Cytogenetic location: Xq25.
Variant type: single nucleotide variant.
Coding change: c.*4092G>A on transcript NM_001167.4 (MANE Select); 4092 bases downstream of the stop codon, G replaced by A.
Molecular consequence: 3 prime UTR variant. On other transcripts: non-coding transcript variant (2).
Genome position (GRCh38, 1-based): chrX:123,911,273, G>A. VCF-style: chrX-123911273-G-A. GRCh37 (hg19) VCF-style: chrX-123045123-G-A.
Other names: c.*4092G>A (NM_001204401.2, NM_001378590.1, NM_001378591.1 and 1 more transcripts).
Identifiers: ClinVar variation 367832 (VCV000367832.5), dbSNP rs773227715, ClinGen allele CA10508347.